The following is an entry in ClinVar:

ClinVar aggregate classification (germline): Likely pathogenic (1 of 4 stars; one submission).

Conditions:
Deafness-lymphedema-leukemia syndrome. Also called: Emberger syndrome; Lymphedema, primary, with myelodysplasia. Identifiers: Orphanet 3226, MedGen C3279664, MONDO:0013540, OMIM 614038.
GATA2 deficiency with susceptibility to MDS/AML. Identifiers: MedGen CN300066, MONDO:0042982.

Submission:

Molecular Pathology Research Laboratory, SA Pathology
Classification: Likely pathogenic for GATA2 deficiency with susceptibility to MDS/AML; Deafness-lymphedema-leukemia syndrome. Last evaluated: 2021-07-06. Review status: criteria provided, single submitter. Criteria: ACMG Guidelines, 2015. Collection method: curation. Allele origin: de novo. Inheritance: Autosomal dominant inheritance. Affected: yes. Observed: 3 variant alleles. Clinical features observed: Immunodeficiency, Myelodysplasia, Acute Myeloid Leukemia.
Comment: PS3, PS4_Moderate, PM2, PM6_Supporting

Literature cited by the submitters: PubMed 27577878; PubMed 28209719.

NM_032638.5(GATA2):c.1143+5G>A

Gene: GATA2 (GATA binding protein 2; minus strand). Cytogenetic location: 3q21.3.
Variant type: single nucleotide variant.
Coding change: c.1143+5G>A on transcript NM_032638.5 (MANE Select); 5 bases into the intron after coding-DNA position 1143, G replaced by A.
Molecular consequence: intron variant.
Genome position (GRCh38, 1-based): chr3:128,481,814, C>T on the plus strand (G>A on the coding strand, the complement: GATA2 is on the minus strand). VCF-style: chr3-128481814-C-T. GRCh37 (hg19) VCF-style: chr3-128200657-C-T.
Other names: c.1101+5G>A (NM_001145662.1); c.1143+5G>A (NM_001145661.2).
Identifiers: ClinVar variation 1184198 (VCV001184198.1), dbSNP rs2107668551, ClinGen allele CA1139655018.